The following is an entry in ClinVar:

NM_020911.2(PLXNA4):c.3656T>G (p.Met1219Arg)

Gene: PLXNA4 (plexin A4; minus strand). Cytogenetic location: 7q32.3.
Variant type: single nucleotide variant.
Coding change: c.3656T>G on transcript NM_020911.2 (MANE Select); coding-DNA position 3656, T replaced by G.
Protein change: p.Met1219Arg; replaces methionine 1219 with arginine.
Molecular consequence: missense variant.
Genome position (GRCh38, 1-based): chr7:132,179,905, A>C on the plus strand (T>G on the coding strand, the complement: PLXNA4 is on the minus strand). VCF-style: chr7-132179905-A-C. GRCh37 (hg19) VCF-style: chr7-131864664-A-C.
Other names: c.3656T>G, p.Met1219Arg (NM_001393897.1); short protein forms M1219R.
Identifiers: ClinVar variation 3345563 (VCV003345563.1).

ClinVar aggregate classification (germline): Uncertain significance (0 of 4 stars; one submission).

Conditions:
PLXNA4-related disorder. Also called: PLXNA4-related condition.

Submission:

PreventionGenetics, part of Exact Sciences
Classification: Uncertain significance for PLXNA4-related condition. Last evaluated: 2024-08-07. Review status: no assertion criteria provided. Collection method: clinical testing. Allele origin: germline.
Comment: The PLXNA4 c.3656T>G variant is predicted to result in the amino acid substitution p.Met1219Arg. To our knowledge, this variant has not been reported in the literature or in a large population database, indicating this variant is rare. At this time, the clinical significance of this variant is uncertain due to the absence of conclusive functional and genetic evidence.